The following is an entry in ClinVar:

NM_177438.3(DICER1):c.3269+2T>A

Gene: DICER1 (dicer 1, ribonuclease III; minus strand). Cytogenetic location: 14q32.13.
Variant type: single nucleotide variant.
Coding change: c.3269+2T>A on transcript NM_177438.3 (MANE Select); the canonical splice donor site of the intron after coding-DNA position 3269, T replaced by A.
Molecular consequence: splice donor variant.
Genome position (GRCh38, 1-based): chr14:95,105,069, A>T on the plus strand (T>A on the coding strand, the complement: DICER1 is on the minus strand). VCF-style: chr14-95105069-A-T. GRCh37 (hg19) VCF-style: chr14-95571406-A-T.
Other names: c.3269+2T>A (NM_001291628.2, NM_030621.4, NM_001395677.1 and 12 more transcripts); c.2864+2T>A (NM_001395690.1, NM_001395687.1, NM_001395689.1 and 2 more transcripts); c.2987+2T>A (NM_001395686.1); c.2702+2T>A (NM_001395691.1); c.1586+2T>A (NM_001395697.1).
Identifiers: ClinVar variation 3229366 (VCV003229366.1), dbSNP rs1232103009, ClinGen allele CA390876216.

ClinVar aggregate classification (germline): Likely pathogenic (1 of 4 stars; one submission).

Conditions:
Hereditary cancer-predisposing syndrome. Also called: Neoplastic Syndromes, Hereditary; Tumor predisposition; Hereditary neoplastic syndrome; Hereditary Cancer Syndrome. Identifiers: Orphanet 140162, MedGen C0027672, MeSH D009386, MONDO:0015356.

Allele frequency attached by ClinVar (database versions not stated): gnomAD exomes below 0.00001.
gnomAD v4.1: 1 of 1,613,840 alleles (0.000062%); highest among the groups gnomAD compares: Admixed American, 0.0017%; no homozygotes.

Submission:

Ambry Genetics
Classification: Likely pathogenic for Hereditary cancer-predisposing syndrome. Last evaluated: 2023-09-29. Review status: criteria provided, single submitter. Criteria: Ambry Variant Classification Scheme 2023. Collection method: clinical testing. Allele origin: germline.
Comment: The c.3269+2T>A intronic variant results from a T to A substitution two nucleotides after coding exon 19 in the DICER1 gene. This nucleotide position is highly conserved in available vertebrate species. In silico splice site analysis predicts that this alteration will weaken the native splice donor site. RNA studies have demonstrated that this alteration results in abnormal splicing in the set of samples tested (Ambry internal data). Alterations that disrupt the canonical splice site are expected to cause aberrant splicing, resulting in an abnormal protein or a transcript that is subject to nonsense-mediated mRNA decay. As such, this alteration is classified as likely pathogenic.